The following is an entry in ClinVar:

NM_003587.5(DHX16):c.2126T>C (p.Leu709Pro)

Gene: DHX16 (DEAH-box helicase 16; minus strand). Cytogenetic location: 6p21.33.
Variant type: single nucleotide variant.
Coding change: c.2126T>C on transcript NM_003587.5 (MANE Select); coding-DNA position 2126, T replaced by C.
Protein change: p.Leu709Pro; replaces leucine 709 with proline.
Molecular consequence: missense variant.
Genome position (GRCh38, 1-based): chr6:30,656,974, A>G on the plus strand (T>C on the coding strand, the complement: DHX16 is on the minus strand). VCF-style: chr6-30656974-A-G. GRCh37 (hg19) VCF-style: chr6-30624751-A-G.
Other names: c.1946T>C, p.Leu649Pro (NM_001164239.2); c.683T>C, p.Leu228Pro (NM_001363515.2); short protein forms L228P, L649P, L709P.
Identifiers: ClinVar variation 2309437 (VCV002309437.3), dbSNP rs2534377900, ClinGen allele CA363103141.

ClinVar aggregate classification (germline): Uncertain significance (1 of 4 stars; one submission).

Conditions:
Inborn genetic diseases. Identifiers: MedGen C0950123, MeSH D030342.

Submission:

Ambry Genetics
Classification: Uncertain significance for Inborn genetic diseases. Last evaluated: 2025-08-05. Review status: criteria provided, single submitter. Criteria: Ambry Variant Classification Scheme 2023. Collection method: clinical testing. Allele origin: germline.
Comment: The c.2126T>C (p.L709P) alteration is located in coding exon 13 of the DHX16 gene. This alteration results from a T to C substitution at nucleotide position 2126, causing the leucine (L) at amino acid position 709 to be replaced by a proline (P). This variant was not reported in population-based cohorts in the Genome Aggregation Database (gnomAD). This amino acid position is highly conserved in available vertebrate species. This alteration is predicted to be deleterious by in silico analysis. Based on insufficient or conflicting evidence, the clinical significance of this alteration remains unclear.

Literature cited by the submitters: PubMed 36413997.